The following is an entry in ClinVar:

ClinVar aggregate classification (germline): Uncertain significance (1 of 4 stars; one submission).

Submission:

Ambry Genetics
Classification: Uncertain significance. Last evaluated: 2025-03-31. Review status: criteria provided, single submitter. Criteria: Ambry Variant Classification Scheme 2023. Collection method: clinical testing. Allele origin: germline.
Comment: The p.R1681P variant (also known as c.5042G>C), located in coding exon 44 of the KIF1B gene, results from a G to C substitution at nucleotide position 5042. The arginine at codon 1681 is replaced by proline, an amino acid with dissimilar properties. This amino acid position is conserved. In addition, this alteration is predicted to be deleterious by in silico analysis. Based on the available evidence, the clinical significance of this variant remains unclear.

NM_001365951.3(KIF1B):c.5180G>C (p.Arg1727Pro)

Gene: KIF1B (kinesin family member 1B; plus strand). Cytogenetic location: 1p36.22.
Variant type: single nucleotide variant.
Coding change: c.5180G>C on transcript NM_001365951.3 (MANE Select); coding-DNA position 5180, G replaced by C.
Protein change: p.Arg1727Pro; replaces arginine 1727 with proline.
Molecular consequence: missense variant.
Genome position (GRCh38, 1-based): chr1:10,374,937, G>C. VCF-style: chr1-10374937-G-C. GRCh37 (hg19) VCF-style: chr1-10434995-G-C.
Other names: c.5180G>C, p.Arg1727Pro (NM_001365952.1); c.5042G>C, p.Arg1681Pro (NM_015074.3); short protein forms R1727P, R1681P.
Identifiers: ClinVar variation 4043095 (VCV004043095.1).